The following is an entry in ClinVar:

NM_001164508.2(NEB):c.6291A>G (p.Gln2097=)

Gene: NEB (nebulin; minus strand). Cytogenetic location: 2q23.3.
Variant type: single nucleotide variant.
Coding change: c.6291A>G on transcript NM_001164508.2 (MANE Select); coding-DNA position 6291, A replaced by G.
Protein change: p.Gln2097=; no amino-acid change (glutamine 2097 retained).
Molecular consequence: synonymous variant.
Genome position (GRCh38, 1-based): chr2:151,656,357, T>C on the plus strand (A>G on the coding strand, the complement: NEB is on the minus strand). VCF-style: chr2-151656357-T-C. GRCh37 (hg19) VCF-style: chr2-152512871-T-C.
Other names: p.Gln2097=; c.6291A>G, p.Gln2097= (NM_001164507.2, NM_001271208.2, NM_004543.5).
Identifiers: ClinVar variation 465625 (VCV000465625.19), dbSNP rs753864118, ClinGen allele CA1910130.

ClinVar aggregate classification (germline): Likely benign. Review status: criteria provided, multiple submitters, no conflicts (2 of 4 stars). 3 submissions from 3 submitters: Likely benign (3). Last evaluated 2026-09-01.

Conditions:
Nemaline myopathy 2 (NEM2). Also called: Nemaline myopathy 2, autosomal recessive. Identifiers: MedGen C1850569, MONDO:0009725, OMIM 256030.

Allele frequency attached by ClinVar (database versions not stated): TOPMed 0.00007; ExAC 0.00014; gnomAD exomes 0.00017.
gnomAD v4.1: 61 of 1,613,662 alleles (0.0038%); highest among the groups gnomAD compares: Admixed American, 0.077%; no homozygotes.

Submissions (3):

CeGaT Center for Human Genetics Tuebingen
Classification: Likely benign. Last evaluated: 2026-09-01. Review status: criteria provided, single submitter. Criteria: CeGaT Center For Human Genetics Tuebingen Variant Classification Criteria Version 2. Collection method: clinical testing. Allele origin: germline. Affected: yes. Observed: 2 variant alleles.
Comment: NEB: BP4, BP7

Labcorp Genetics (formerly Invitae), Labcorp
Classification: Likely benign for Nemaline myopathy 2. Last evaluated: 2026-02-04. Review status: criteria provided, single submitter. Criteria: Invitae Variant Classification Sherloc (09022015). Collection method: clinical testing. Allele origin: germline.

Mayo Clinic Laboratories, Mayo Clinic
Classification: Likely benign. Last evaluated: 2025-01-27. Review status: criteria provided, single submitter. Criteria: ACMG Guidelines, 2015. Collection method: clinical testing. Allele origin: germline. Observed: 1 variant allele.
Comment: BP4, BP7